The following is an entry in ClinVar:

ClinVar aggregate classification (germline): Pathogenic (1 of 4 stars; one submission).

Conditions:
Tuberous sclerosis 2 (TSC2). Identifiers: Orphanet 805, MedGen C1860707, MONDO:0013199, OMIM 613254.

Submission:

Labcorp Genetics (formerly Invitae), Labcorp
Classification: Pathogenic for Tuberous sclerosis 2. Last evaluated: 2020-07-08. Review status: criteria provided, single submitter. Criteria: Invitae Variant Classification Sherloc (09022015). Collection method: clinical testing. Allele origin: germline.
Comment: This sequence change creates a premature translational stop signal (p.Tyr1549Metfs*27) in the TSC2 gene. It is expected to result in an absent or disrupted protein product. This variant is not present in population databases (ExAC no frequency). This variant has not been reported in the literature in individuals with TSC2-related conditions. Loss-of-function variants in TSC2 are known to be pathogenic (PMID: 10205261, 17304050). For these reasons, this variant has been classified as Pathogenic.

Literature cited by the submitters: PubMed 10205261; PubMed 17304050.

NM_000548.5(TSC2):c.4644del (p.Tyr1549fs)

Gene: TSC2 (TSC complex subunit 2; plus strand). Cytogenetic location: 16p13.3.
Variant type: Deletion.
Coding change: c.4644del on transcript NM_000548.5 (MANE Select); coding-DNA position 4644, one base deleted (G; older notation c.4644delG).
Protein change: p.Tyr1549fs; shifts the reading frame from tyrosine 1549.
Molecular consequence: frameshift variant.
Genome position (GRCh38, 1-based): chr16:2,085,304, G deleted. VCF-style (leftmost placement, unchanged base first): chr16-2085303-TG-T. GRCh37 (hg19) VCF-style: chr16-2135304-TG-T.
Other names: c.4443del, p.Tyr1482fs (NM_001077183.3); c.4575del, p.Tyr1526fs (NM_001114382.3); c.4335del, p.Tyr1446fs (NM_001318827.2); c.4299del, p.Tyr1434fs (NM_001318829.2); c.3912del, p.Tyr1305fs (NM_001318831.2); c.4476del, p.Tyr1493fs (NM_001318832.2); c.4446del, p.Tyr1483fs (NM_001363528.2); c.4512del, p.Tyr1505fs (NM_001370404.1); and 1 more; short protein forms Y1305fs, Y1434fs, Y1446fs, Y1482fs, Y1483fs, Y1493fs, Y1505fs, Y1506fs.
Identifiers: ClinVar variation 1075335 (VCV001075335.7), dbSNP rs2151553190, ClinGen allele CA2499223343.